The following is an entry in ClinVar:

NM_002529.4(NTRK1):c.2202G>A (p.Thr734=)

Gene: NTRK1 (neurotrophic receptor tyrosine kinase 1; plus strand). Cytogenetic location: 1q23.1.
Variant type: single nucleotide variant.
Coding change: c.2202G>A on transcript NM_002529.4 (MANE Select); coding-DNA position 2202, G replaced by A.
Protein change: p.Thr734=; no amino-acid change (threonine 734 retained).
Molecular consequence: synonymous variant.
Genome position (GRCh38, 1-based): chr1:156,880,154, G>A. VCF-style: chr1-156880154-G-A. GRCh37 (hg19) VCF-style: chr1-156849946-G-A.
Other names: c.2202G>A (NM_002529.3); c.2094G>A, p.Thr698= (NM_001007792.1); c.2184G>A, p.Thr728= (NM_001012331.2).
Identifiers: ClinVar variation 292897 (VCV000292897.25), dbSNP rs55668752, ClinGen allele CA1169588.

ClinVar aggregate classification (germline): Benign. Review status: criteria provided, multiple submitters, no conflicts (2 of 4 stars). 7 submissions from 7 submitters: Benign (7). Last evaluated 2026-01-28.

Conditions:
Hereditary insensitivity to pain with anhidrosis (CIPA). Also called: NEUROPATHY, CONGENITAL SENSORY, WITH ANHIDROSIS; hereditary sensory and autonomic neuropathy type 4; FAMILIAL DYSAUTONOMIA, TYPE II; NTRK1 Congenital Insensitivity to Pain with Anhidrosis; INSENSITIVITY TO PAIN, CONGENITAL, WITH ANHIDROSIS; HSAN Type IV. Identifiers: Orphanet 642, MedGen C0020074, MONDO:0009746, OMIM 256800.

Allele frequency attached by ClinVar (database versions not stated): gnomAD exomes 0.00124; ExAC 0.00157; gnomAD 0.00537 and 0.00562; ESP Exome Variant Server 0.00538; TOPMed 0.00601; 1000 Genomes Project 0.00899; 1000 Genomes Project 30x 0.00953.
gnomAD v4.1: 1,613 of 1,613,006 alleles (0.1%); highest among the groups gnomAD compares: African/African-American, 1.9%; 10 homozygotes.

Submissions (7):

Labcorp Genetics (formerly Invitae), Labcorp
Classification: Benign for Hereditary insensitivity to pain with anhidrosis. Last evaluated: 2026-01-28. Review status: criteria provided, single submitter. Criteria: Invitae Variant Classification Sherloc (09022015). Collection method: clinical testing. Allele origin: germline.

ARUP Laboratories, Molecular Genetics and Genomics, ARUP Laboratories
Classification: Benign for Hereditary insensitivity to pain with anhidrosis. Last evaluated: 2023-10-16. Review status: criteria provided, single submitter. Criteria: ARUP Molecular Germline Variant Investigation Process 2024. Collection method: clinical testing. Allele origin: germline.

KCCC/NGS Laboratory, Kuwait Cancer Control Center
Classification: Benign for Hereditary insensitivity to pain with anhidrosis. Last evaluated: 2023-07-07. Review status: criteria provided, single submitter. Criteria: ACMG Guidelines, 2015. Collection method: clinical testing. Allele origin: germline. Affected: yes.

Genome-Nilou Lab
Classification: Benign for Hereditary insensitivity to pain with anhidrosis. Last evaluated: 2023-04-11. Review status: criteria provided, single submitter. Criteria: ACMG Guidelines, 2015. Collection method: clinical testing. Allele origin: germline. Affected: no.

Illumina Laboratory Services, Illumina
Classification: Benign for Hereditary insensitivity to pain with anhidrosis. Last evaluated: 2018-01-13. Review status: criteria provided, single submitter. Criteria: ICSL Variant Classification Criteria 13 December 2019. Collection method: clinical testing. Allele origin: germline.
Comment: This variant was observed in the ICSL laboratory as part of a predisposition screen in an ostensibly healthy population. It had not been previously curated by ICSL or reported in the Human Gene Mutation Database (HGMD: prior to June 1st, 2018), and was therefore a candidate for classification through an automated scoring system. Utilizing variant allele frequency, disease prevalence and penetrance estimates, and inheritance mode, an automated score was calculated to assess if this variant is too frequent to cause the disease. Based on the score and internal cut-off values, a variant classified as benign is not then subjected to further curation. The score for this variant resulted in a classification of benign for this disease.

GeneDx
Classification: Benign. Last evaluated: 2016-09-20. Review status: criteria provided, single submitter. Criteria: GeneDx Variant Classification (06012015). Collection method: clinical testing. Allele origin: germline. Affected: yes.
Comment: This variant is considered likely benign or benign based on one or more of the following criteria: it is a conservative change, it occurs at a poorly conserved position in the protein, it is predicted to be benign by multiple in silico algorithms, and/or has population frequency not consistent with disease.

Breakthrough Genomics
Classification: Benign. Review status: criteria provided, single submitter. Criteria: ACMG Guidelines, 2015. Collection method: not provided. Allele origin: germline. Inheritance: Autosomal recessive inheritance. Affected: yes.